The following is an entry in ClinVar:

ClinVar aggregate classification (germline): Benign/Likely benign. Review status: criteria provided, multiple submitters, no conflicts (2 of 4 stars). 6 submissions from 6 submitters: Benign (2); Likely benign (4). Last evaluated 2026-01-28.

Conditions:
Congenital muscular hypertrophy-cerebral syndrome (CDLS2). Also called: Cornelia de Lange syndrome 2; SMC1A-Related Cornelia de Lange Syndrome. Identifiers: Orphanet 199, MedGen C1802395, MONDO:0010370, OMIM 300590.
Developmental and epileptic encephalopathy, 85, with or without midline brain defects. Also called: EPILEPTIC ENCEPHALOPATHY, EARLY INFANTILE, 85, WITH OR WITHOUT MIDLINE BRAIN DEFECTS. Identifiers: MedGen C5393312, MONDO:0026771, OMIM 301044.
Inborn genetic diseases. Identifiers: MedGen C0950123, MeSH D030342.

Allele frequency attached by ClinVar (database versions not stated): gnomAD exomes 0.00017 and 0.00053; ExAC 0.00064; 1000 Genomes Project 0.00079; 1000 Genomes Project 30x 0.00083; gnomAD 0.00168 and 0.00183; TOPMed 0.00216; ESP Exome Variant Server 0.00246.
gnomAD v4.1: 377 of 1,204,537 alleles (0.031%); highest among the groups gnomAD compares: African/African-American, 0.57%; 2 homozygotes.

Submissions (6):

Labcorp Genetics (formerly Invitae), Labcorp
Classification: Benign for Congenital muscular hypertrophy-cerebral syndrome. Last evaluated: 2026-01-28. Review status: criteria provided, single submitter. Criteria: Invitae Variant Classification Sherloc (09022015). Collection method: clinical testing. Allele origin: germline.

CeGaT Center for Human Genetics Tuebingen
Classification: Likely benign. Last evaluated: 2024-10-01. Review status: criteria provided, single submitter. Criteria: CeGaT Center For Human Genetics Tuebingen Variant Classification Criteria Version 2. Collection method: clinical testing. Allele origin: germline. Affected: yes. Observed: 1 variant allele.
Comment: SMC1A: BP4, BP7, BS2

Fulgent Genetics
Classification: Likely benign for Congenital muscular hypertrophy-cerebral syndrome; Developmental and epileptic encephalopathy, 85, with or without midline brain defects. Last evaluated: 2021-11-18. Review status: criteria provided, single submitter. Criteria: ACMG Guidelines, 2015. Collection method: clinical testing. Allele origin: unknown.

GeneDx
Classification: Benign. Last evaluated: 2020-11-10. Review status: criteria provided, single submitter. Criteria: GeneDx Variant Classification Process June 2021. Collection method: clinical testing. Allele origin: germline. Affected: yes.

Ambry Genetics
Classification: Likely benign for Inborn genetic diseases. Last evaluated: 2016-11-11. Review status: criteria provided, single submitter. Criteria: Ambry Variant Classification Scheme 2023. Collection method: clinical testing. Allele origin: germline.

Eurofins Ntd Llc (ga)
Classification: Likely benign. Last evaluated: 2015-02-18. Review status: criteria provided, single submitter. Criteria: EGL Classification Definitions 2015. Collection method: clinical testing. Allele origin: germline. Observed: 1 variant allele, 1 hemizygote.

NM_006306.4(SMC1A):c.1323C>T (p.Tyr441=)

Gene: SMC1A (structural maintenance of chromosomes 1A; minus strand). Cytogenetic location: Xp11.22.
Variant type: single nucleotide variant.
Coding change: c.1323C>T on transcript NM_006306.4 (MANE Select); coding-DNA position 1323, C replaced by T.
Protein change: p.Tyr441=; no amino-acid change (tyrosine 441 retained).
Molecular consequence: synonymous variant.
Genome position (GRCh38, 1-based): chrX:53,409,435, G>A on the plus strand (C>T on the coding strand, the complement: SMC1A is on the minus strand). VCF-style: chrX-53409435-G-A. GRCh37 (hg19) VCF-style: chrX-53436366-G-A.
Other names: c.1257C>T, p.Tyr419= (NM_001281463.1).
Identifiers: ClinVar variation 198840 (VCV000198840.73), dbSNP rs144850468, ClinGen allele CA203639.
Genomic context (GRCh38, chrX:53,409,435, plus strand): 5'-CAAGAACAGGCCTGGAAGTAAGGGGGACAGATGCAGAGCTACATACTTGCTAGTGGTGAT[G>A]TATTCCTCCAGTTTCTCAATCCGCTTCTGATTCTCTTCAATTTCCCGCAGCTTTTGCTTG-3'
Protein context (NP_006297.2, residues 431-451): NQKRIEKLEE[Tyr441=]ITTSKQSLEE